The following is an entry in ClinVar:

ClinVar aggregate classification (germline): Uncertain significance. Review status: criteria provided, multiple submitters, no conflicts (2 of 4 stars). 2 submissions from 2 submitters: Uncertain significance (2). Last evaluated 2025-07-30.

Allele frequency attached by ClinVar (database versions not stated): gnomAD 0.00002 and 0.00004; gnomAD exomes 0.00002; TOPMed 0.00003; ExAC 0.00004; 1000 Genomes Project 30x 0.00078; 1000 Genomes Project 0.00100.
gnomAD v4.1: 22 of 1,612,772 alleles (0.0014%); highest among the groups gnomAD compares: African/African-American, 0.017%; no homozygotes.

Submissions (2):

Labcorp Genetics (formerly Invitae), Labcorp
Classification: Uncertain significance. Last evaluated: 2025-07-30. Review status: criteria provided, single submitter. Criteria: Invitae Variant Classification Sherloc (09022015). Collection method: clinical testing. Allele origin: germline.
Comment: This sequence change replaces arginine, which is basic and polar, with glycine, which is neutral and non-polar, at codon 1092 of the CACNA2D4 protein (p.Arg1092Gly). This variant is present in population databases (rs199937116, gnomAD 0.009%). This variant has not been reported in the literature in individuals affected with CACNA2D4-related conditions. ClinVar contains an entry for this variant (Variation ID: 1399394). An algorithm developed to predict the effect of missense changes on protein structure and function (PolyPhen-2) suggests that this variant is likely to be disruptive. In summary, the available evidence is currently insufficient to determine the role of this variant in disease. Therefore, it has been classified as a Variant of Uncertain Significance.

Blueprint Genetics
Classification: Uncertain significance. Last evaluated: 2024-11-01. Review status: criteria provided, single submitter. Criteria: ACMG Guidelines, 2015. Collection method: clinical testing. Allele origin: germline.

NM_172364.5(CACNA2D4):c.3274C>G (p.Arg1092Gly)

Gene: CACNA2D4 (calcium voltage-gated channel auxiliary subunit alpha2delta 4; minus strand). Cytogenetic location: 12p13.33.
Variant type: single nucleotide variant.
Coding change: c.3274C>G on transcript NM_172364.5 (MANE Select); coding-DNA position 3274, C replaced by G.
Protein change: p.Arg1092Gly; replaces arginine 1092 with glycine.
Molecular consequence: missense variant.
Genome position (GRCh38, 1-based): chr12:1,795,334, G>C on the plus strand (C>G on the coding strand, the complement: CACNA2D4 is on the minus strand). VCF-style: chr12-1795334-G-C. GRCh37 (hg19) VCF-style: chr12-1904500-G-C.
Other names: short protein forms R1092G.
Identifiers: ClinVar variation 1399394 (VCV001399394.7), dbSNP rs199937116, ClinGen allele CA6385999.